The following is an entry in ClinVar:

ClinVar aggregate classification (germline): Uncertain significance (1 of 4 stars; one submission).

Submission:

Labcorp Genetics (formerly Invitae), Labcorp
Classification: Uncertain significance. Last evaluated: 2023-03-08. Review status: criteria provided, single submitter. Criteria: Invitae Variant Classification Sherloc (09022015). Collection method: clinical testing. Allele origin: germline.
Comment: This sequence change replaces glycine, which is neutral and non-polar, with glutamic acid, which is acidic and polar, at codon 1174 of the COL11A1 protein (p.Gly1174Glu). This variant is not present in population databases (gnomAD no frequency). This variant has not been reported in the literature in individuals affected with COL11A1-related conditions. Advanced modeling of protein sequence and biophysical properties (such as structural, functional, and spatial information, amino acid conservation, physicochemical variation, residue mobility, and thermodynamic stability) has been performed at Invitae for this missense variant, however the output from this modeling did not meet the statistical confidence thresholds required to predict the impact of this variant on COL11A1 protein function. In summary, the available evidence is currently insufficient to determine the role of this variant in disease. Therefore, it has been classified as a Variant of Uncertain Significance.

NM_001854.4(COL11A1):c.3521G>A (p.Gly1174Glu)

Gene: COL11A1 (collagen type XI alpha 1 chain; minus strand). Cytogenetic location: 1p21.1.
Variant type: single nucleotide variant.
Coding change: c.3521G>A on transcript NM_001854.4 (MANE Select); coding-DNA position 3521, G replaced by A.
Protein change: p.Gly1174Glu; replaces glycine 1174 with glutamic acid.
Molecular consequence: missense variant. On other transcripts: non-coding transcript variant (1).
Genome position (GRCh38, 1-based): chr1:102,934,528, C>T on the plus strand (G>A on the coding strand, the complement: COL11A1 is on the minus strand). VCF-style: chr1-102934528-C-T. GRCh37 (hg19) VCF-style: chr1-103400084-C-T.
Other names: c.3173G>A, p.Gly1058Glu (NM_001168249.1, NM_080630.4); c.3404G>A, p.Gly1135Glu (NM_001190709.2); c.3557G>A, p.Gly1186Glu (NM_080629.3); short protein forms G1135E, G1186E, G1058E, G1174E.
Identifiers: ClinVar variation 2835032 (VCV002835032.3), dbSNP rs1657942176, ClinGen allele CA341167661.